The following is an entry in ClinVar:

ClinVar aggregate classification (germline): Conflicting classifications of pathogenicity. Review status: criteria provided, conflicting classifications (1 of 4 stars). 5 submissions from 5 submitters: Uncertain significance (1); Likely benign (4). Last evaluated 2026-01-16.

Allele frequency attached by ClinVar (database versions not stated): gnomAD below 0.00001 and 0.00005; TOPMed 0.00001; ExAC 0.00017; 1000 Genomes Project 30x 0.00047; 1000 Genomes Project 0.00060; gnomAD exomes 0.00006 and 0.00009.
gnomAD v4.1: 100 of 1,613,670 alleles (0.0062%); highest among the groups gnomAD compares: South Asian, 0.1%; no homozygotes.

Submissions (5):

Labcorp Genetics (formerly Invitae), Labcorp
Classification: Likely benign. Last evaluated: 2026-01-16. Review status: criteria provided, single submitter. Criteria: Invitae Variant Classification Sherloc (09022015). Collection method: clinical testing. Allele origin: germline.

GeneDx
Classification: Uncertain significance. Last evaluated: 2024-12-11. Review status: criteria provided, single submitter. Criteria: GeneDx Variant Classification Process June 2021. Collection method: clinical testing. Allele origin: germline. Affected: yes.
Comment: Has not been previously published as pathogenic or benign to our knowledge; In silico analysis suggests this variant may impact gene splicing. In the absence of RNA/functional studies, the actual effect of this sequence change is unknown.

Blueprint Genetics
Classification: Likely benign. Last evaluated: 2022-04-25. Review status: criteria provided, single submitter. Criteria: ACMG Guidelines, 2015. Collection method: clinical testing. Allele origin: germline.

Athena Diagnostics
Classification: Likely benign. Last evaluated: 2021-03-03. Review status: criteria provided, single submitter. Criteria: Athena Diagnostics criteria. Collection method: clinical testing. Allele origin: unknown.

Laboratory for Molecular Medicine, Mass General Brigham Personalized Medicine
Classification: Likely benign. Last evaluated: 2017-10-16. Review status: criteria provided, single submitter. Criteria: LMM Criteria. Collection method: clinical testing. Allele origin: germline. Observed: 1 variant allele.
Comment: p.Phe1634Phe in exon 39 of CDH23: This variant is not expected to have clinical significance because it does not alter an amino acid residue and is not located within the splice consensus sequence. This variant has been identified in 0.08% (23/30748) of South Asian chromosomes by the Genome Aggregation Database (gnomAD; dbSNP rs565823145). ACMG/AMP Criteria applie d: BP4, BP7 (Richards 2015).

NM_022124.6(CDH23):c.4902C>T (p.Phe1634=)

Gene: CDH23 (cadherin related 23; plus strand). Cytogenetic location: 10q22.1.
Variant type: single nucleotide variant.
Coding change: c.4902C>T on transcript NM_022124.6 (MANE Select); coding-DNA position 4902, C replaced by T.
Protein change: p.Phe1634=; no amino-acid change (phenylalanine 1634 retained).
Molecular consequence: synonymous variant.
Genome position (GRCh38, 1-based): chr10:71,777,736, C>T. VCF-style: chr10-71777736-C-T. GRCh37 (hg19) VCF-style: chr10-73537493-C-T.
Identifiers: ClinVar variation 517625 (VCV000517625.16), dbSNP rs565823145, ClinGen allele CA5545583.